The following is an entry in ClinVar:

ClinVar aggregate classification (germline): Likely pathogenic (1 of 4 stars; one submission).

Submission:

GeneDx
Classification: Likely pathogenic. Last evaluated: 2025-08-19. Review status: criteria provided, single submitter. Criteria: GeneDx Variant Classification Process June 2021. Collection method: clinical testing. Allele origin: germline. Affected: yes.
Comment: Canonical splice site variant predicted to result in an in-frame loss of the adjacent exon in a gene for which loss of function is a known mechanism of disease; Not observed at significant frequency in large population cohorts (gnomAD); Has not been previously published as pathogenic or benign to our knowledge

NM_001148.6(ANK2):c.3224+1G>A

Gene: ANK2 (ankyrin 2; plus strand). Cytogenetic location: 4q26.
Variant type: single nucleotide variant.
Coding change: c.3224+1G>A on transcript NM_001148.6 (MANE Select); the canonical splice donor site of the intron after coding-DNA position 3224, G replaced by A.
Molecular consequence: splice donor variant. On other transcripts: intron variant (42).
Genome position (GRCh38, 1-based): chr4:113,332,071, G>A. VCF-style: chr4-113332071-G-A. GRCh37 (hg19) VCF-style: chr4-114253227-G-A.
Other names: c.3209+1G>A (NM_001386186.2, NM_001386148.2); c.3011+1G>A (NM_001354269.3); c.3090-983G>A (NM_001386187.2); c.3084-983G>A (NM_001386147.1, NM_001354261.2); c.3069-983G>A (NM_001386160.1); c.3173+1G>A (NM_001354254.2); c.3194+1G>A (NM_001354239.2, NM_001354252.2); c.3096-983G>A (NM_001354272.2); and 28 more.
Identifiers: ClinVar variation 4796659 (VCV004796659.1).